The following is an entry in ClinVar:

NM_022455.5(NSD1):c.2401G>T (p.Ala801Ser)

Gene: NSD1 (nuclear receptor binding SET domain protein 1; plus strand). Cytogenetic location: 5q35.3.
Variant type: single nucleotide variant.
Coding change: c.2401G>T on transcript NM_022455.5 (MANE Select); coding-DNA position 2401, G replaced by T.
Protein change: p.Ala801Ser; replaces alanine 801 with serine.
Molecular consequence: missense variant.
Genome position (GRCh38, 1-based): chr5:177,210,800, G>T. VCF-style: chr5-177210800-G-T. GRCh37 (hg19) VCF-style: chr5-176637801-G-T.
Other names: c.1528G>T, p.Ala510Ser (NM_001365684.2, NM_001409306.1, NM_001409307.1 and 3 more transcripts); c.2401G>T, p.Ala801Ser (NM_001409301.1, NM_001409302.1, NM_001409303.1); c.1981G>T, p.Ala661Ser (NM_001409304.1); c.1648G>T, p.Ala550Ser (NM_001409305.1); short protein forms A510S, A550S, A661S, A801S.
Identifiers: ClinVar variation 4847398 (VCV004847398.1).

ClinVar aggregate classification (germline): Uncertain significance (1 of 4 stars; one submission).

Submission:

Women's Health and Genetics/Laboratory Corporation of America, LabCorp
Classification: Uncertain significance. Last evaluated: 2026-03-09. Review status: criteria provided, single submitter. Criteria: LabCorp Variant Classification Summary - May 2015. Collection method: clinical testing. Allele origin: germline.
Comment: Variant summary: NSD1 c.2401G>T (p.Ala801Ser) results in a conservative amino acid change in the encoded protein sequence. Algorithms developed to predict the effect of missense changes on protein structure and function all suggest that this variant is likely to be tolerated. The variant was absent in 251300 control chromosomes. The available data on variant occurrences in the general population are insufficient to allow any conclusion about variant significance. To our knowledge, no occurrence of c.2401G>T in individuals affected with NSD1-related conditions and no experimental evidence demonstrating its impact on protein function have been reported. No submitters have cited clinical-significance assessments for this variant to ClinVar. Based on the evidence outlined above, the variant was classified as uncertain significance.